The following is an entry in ClinVar:

NM_016156.6(MTMR2):c.800T>C (p.Ile267Thr)

Gene: MTMR2 (myotubularin related protein 2; minus strand). Cytogenetic location: 11q21.
Variant type: single nucleotide variant.
Coding change: c.800T>C on transcript NM_016156.6 (MANE Select); coding-DNA position 800, T replaced by C.
Protein change: p.Ile267Thr; replaces isoleucine 267 with threonine.
Molecular consequence: missense variant.
Genome position (GRCh38, 1-based): chr11:95,850,604, A>G on the plus strand (T>C on the coding strand, the complement: MTMR2 is on the minus strand). VCF-style: chr11-95850604-A-G. GRCh37 (hg19) VCF-style: chr11-95583768-A-G.
Other names: c.584T>C, p.Ile195Thr (NM_201281.3, NM_001243571.2, NM_201278.3); short protein forms I267T, I195T.
Identifiers: ClinVar variation 1439865 (VCV001439865.10), dbSNP rs1863978401, ClinGen allele CA382425679.

ClinVar aggregate classification (germline): Uncertain significance. Review status: criteria provided, multiple submitters, no conflicts (2 of 4 stars). 2 submissions from 2 submitters: Uncertain significance (2). Last evaluated 2021-05-03.

Conditions:
Charcot-Marie-Tooth disease type 4B1. Also called: Charcot-Marie-Tooth Neuropathy Type 4B1; CHARCOT-MARIE-TOOTH DISEASE, AUTOSOMAL RECESSIVE, WITH FOCALLY FOLDED MYELIN SHEATHS, AUTOSOMAL RECESSIVE, TYPE 4B1; CHARCOT-MARIE-TOOTH DISEASE, TYPE 4B; CHARCOT-MARIE-TOOTH DISEASE, DEMYELINATING, TYPE 4B1. Identifiers: Orphanet 99955, MedGen C1832399, MONDO:0011066, OMIM 601382.
Charcot-Marie-Tooth disease type 4. Also called: Charcot-Marie-Tooth, Type 4; Charcot-Marie-Tooth disease, type IV. Identifiers: Orphanet 64749, MedGen C4082197, MONDO:0018995.

Allele frequency attached by ClinVar (database versions not stated): gnomAD exomes below 0.00001.
gnomAD v4.1: 1 of 1,614,048 alleles (0.000062%); highest among the groups gnomAD compares: Non-Finnish European, 0.000085%; no homozygotes.

Submissions (2):

Labcorp Genetics (formerly Invitae), Labcorp
Classification: Uncertain significance for Charcot-Marie-Tooth disease type 4. Last evaluated: 2021-05-03. Review status: criteria provided, single submitter. Criteria: Invitae Variant Classification Sherloc (09022015). Collection method: clinical testing. Allele origin: germline.
Comment: This sequence change replaces isoleucine with threonine at codon 267 of the MTMR2 protein (p.Ile267Thr). The isoleucine residue is highly conserved and there is a moderate physicochemical difference between isoleucine and threonine. This variant is not present in population databases (ExAC no frequency). This variant has not been reported in the literature in individuals with MTMR2-related conditions. Advanced modeling of protein sequence and biophysical properties (such as structural, functional, and spatial information, amino acid conservation, physicochemical variation, residue mobility, and thermodynamic stability) performed at Invitae indicates that this missense variant is expected to disrupt MTMR2 protein function. In summary, the available evidence is currently insufficient to determine the role of this variant in disease. Therefore, it has been classified as a Variant of Uncertain Significance.

Juno Genomics, Hangzhou Juno Genomics, Inc
Classification: Uncertain significance for Charcot-Marie-Tooth disease type 4B1. Review status: criteria provided, single submitter. Criteria: ACMG Guidelines, 2015. Collection method: clinical testing. Allele origin: germline.
Comment: Absent from controls (or at extremely low frequency if recessive) in Genome Aggregation Database.;Multiple lines of computational evidence support a deleterious effect on the gene or gene product.